The following is an entry in ClinVar:

ClinVar aggregate classification (germline): Likely benign (1 of 4 stars; one submission).

Conditions:
PLXNA1-related disorder. Also called: PLXNA1-related condition.

Submission:

PreventionGenetics, part of Exact Sciences
Classification: Likely benign for PLXNA1-related condition. Last evaluated: 2026-07-19. Review status: criteria provided, single submitter. Criteria: ACMG Guidelines, 2015. Collection method: clinical testing. Allele origin: germline.
Comment: This variant is classified as likely benign based on ACMG/AMP sequence variant interpretation guidelines (Richards et al. 2015 PMID: 25741868, with internal and published modifications).

NM_032242.4(PLXNA1):c.3696A>G (p.Thr1232=)

Gene: PLXNA1 (plexin A1; plus strand). Cytogenetic location: 3q21.3.
Variant type: single nucleotide variant.
Coding change: c.3696A>G on transcript NM_032242.4 (MANE Select); coding-DNA position 3696, A replaced by G.
Protein change: p.Thr1232=; no amino-acid change (threonine 1232 retained).
Molecular consequence: synonymous variant.
Genome position (GRCh38, 1-based): chr3:127,018,329, A>G. VCF-style: chr3-127018329-A-G. GRCh37 (hg19) VCF-style: chr3-126737172-A-G.
Identifiers: ClinVar variation 4987838 (VCV004987838.1).